The following is an entry in ClinVar:

NM_000097.7(CPOX):c.220G>T (p.Val74Leu)

Genes: CPOX (coproporphyrinogen oxidase; minus strand), LOC129937121 (ATAC-STARR-seq lymphoblastoid silent region 14560; plus strand). Cytogenetic location: 3q11.2.
Variant type: single nucleotide variant.
Coding change: c.220G>T on transcript NM_000097.7 (MANE Select); coding-DNA position 220, G replaced by T.
Protein change: p.Val74Leu; replaces valine 74 with leucine.
Molecular consequence: missense variant.
Genome position (GRCh38, 1-based): chr3:98,593,285, C>A on the plus strand (G>T on the coding strand, the complement: CPOX is on the minus strand). VCF-style: chr3-98593285-C-A. GRCh37 (hg19) VCF-style: chr3-98312129-C-A.
Other names: short protein forms V74L.
Identifiers: ClinVar variation 863520 (VCV000863520.2), dbSNP rs886944037, ClinGen allele CA80083859.

ClinVar aggregate classification (germline): Uncertain significance (1 of 4 stars; one submission).

Allele frequency attached by ClinVar (database versions not stated): TOPMed 0.00001.
gnomAD v4.1: 9 of 1,457,602 alleles (0.00062%); highest among the groups gnomAD compares: South Asian, 0.0014%; no homozygotes.

Submission:

Labcorp Genetics (formerly Invitae), Labcorp
Classification: Uncertain significance. Last evaluated: 2019-04-07. Review status: criteria provided, single submitter. Criteria: Invitae Variant Classification Sherloc (09022015). Collection method: clinical testing. Allele origin: germline.
Comment: This sequence change replaces valine with leucine at codon 74 of the CPOX protein (p.Val74Leu). The valine residue is weakly conserved and there is a small physicochemical difference between valine and leucine. The frequency data for this variant in the population databases is considered unreliable, as metrics indicate insufficient coverage at this position in the ExAC database. This variant has not been reported in the literature in individuals with CPOX-related conditions. Algorithms developed to predict the effect of missense changes on protein structure and function output the following: SIFT: Tolerated; PolyPhen-2: Benign; Align-GVGD: Class C0. The leucine amino acid residue is found in multiple mammalian species, suggesting that this missense change does not adversely affect protein function. These predictions have not been confirmed by published functional studies and their clinical significance is uncertain. Algorithms developed to predict the effect of sequence changes on RNA splicing suggest that this variant may create or strengthen a splice site, but this prediction has not been confirmed by published transcriptional studies. In summary, the available evidence is currently insufficient to determine the role of this variant in disease. Therefore, it has been classified as a Variant of Uncertain Significance.